The following is an entry in ClinVar:

ClinVar aggregate classification (germline): Uncertain significance (1 of 4 stars; one submission).

Submission:

Clinical Genomics Laboratory, Laboratory for Precision Diagnostics, University of Washington
Classification: Uncertain significance. Last evaluated: 2022-05-13. Review status: criteria provided, single submitter. Criteria: ACMG/ClinGen CNV Guidelines, 2019. Collection method: clinical testing. Allele origin: unknown. Affected: yes. Observed: 1 variant allele.
Comment: The deletion is approximately 14 kb in size and encompasses exon 10 of EXT2 (NM_207122.2). The deletion coordinates (see ISCN) can be entered into the UCSC Genome Browser for a visual aid. Heterozygous loss-of-function variants in EXT2 cause hereditary multiple osteochondromas, an autosomal dominant condition characterized by growths of multiple osteochondromas from the metaphyses of long bones. It is not known with certainty if this deletion results in loss-of-function of EXT2. There are no similar EXT2 deletions in the Database of Genomic Variants. There are a few similar deletions in ClinVar and DECIPHER. The inheritance of the deletion in these individuals is not known and the only clinical information provided is that one individual with this deletion has autism.

GRCh38/hg38 11p11.2(chr11:44200912-44215102)x1

Gene: EXT2 (exostosin glycosyltransferase 2; plus strand). Cytogenetic location: 11p11.2.
Variant type: copy number loss.
Change: copy number 1 (one copy instead of two) of chr11:44,200,912-44,215,102 (14.2 kb, GRCh38 coordinates, 1-based), cytogenetic band 11p11.2.
Identifiers: ClinVar variation 4852089 (VCV004852089.1).